The following is an entry in ClinVar:

ClinVar aggregate classification (germline): Uncertain significance (0 of 4 stars; one submission).

Conditions:
Wolff-Parkinson-White pattern. Also called: WPW SYNDROME; Auriculoventricular accessory pathway syndrome; False bundle branch block syndrome; Anomalous ventricular excitation syndrome. Identifiers: MedGen C0043202, MONDO:0008685, OMIM 194200, HP:0001716.

Submission:

Lupski Lab, Baylor-Hopkins CMG, Baylor College of Medicine
Classification: Uncertain significance for Wolff-Parkinson-White pattern. Last evaluated: 2017-07-14. Review status: no assertion criteria provided. Collection method: research. Allele origin: inherited. Affected: yes. Observed: 1 variant allele. Study: Candidate_variants_in_patients_with_ Wolff-Parkinson-White Syndrome.

NM_000891.3(KCNJ2):c.49G>A (p.Asp17Asn)

Gene: KCNJ2 (potassium inwardly rectifying channel subfamily J member 2; plus strand). Cytogenetic location: 17q24.3.
Variant type: single nucleotide variant.
Coding change: c.49G>A on transcript NM_000891.3 (MANE Select); coding-DNA position 49, G replaced by A.
Protein change: p.Asp17Asn; replaces aspartic acid 17 with asparagine.
Molecular consequence: missense variant.
Genome position (GRCh38, 1-based): chr17:70,175,088, G>A. VCF-style: chr17-70175088-G-A. GRCh37 (hg19) VCF-style: chr17-68171229-G-A.
Other names: short protein forms D17N.
Identifiers: ClinVar variation 487624 (VCV000487624.1), dbSNP rs1331601602, ClinGen allele CA400859744.
Genomic context (GRCh38, chr17:70,175,088, plus strand): 5'-CCAGCAGAAGCGATGGGCAGTGTGCGAACCAACCGCTACAGCATCGTCTCTTCAGAAGAA[G>A]ACGGTATGAAGTTGGCCACCATGGCAGTTGCAAATGGCTTTGGGAACGGGAAGAGTAAAG-3'
Protein context (NP_000882.1, residues 7-27): NRYSIVSSEE[Asp17Asn]GMKLATMAVA